The following is an entry in ClinVar:

ClinVar aggregate classification (germline): Conflicting classifications of pathogenicity. Review status: criteria provided, conflicting classifications (1 of 4 stars). 13 submissions from 12 submitters: Pathogenic (2); Likely pathogenic (6); Uncertain significance (5). Last evaluated 2026-06-16.

Conditions:
Cardiovascular phenotype. Identifiers: MedGen CN230736.
Muscular dystrophy-dystroglycanopathy type B5 (MDDGB5). Also called: MUSCULAR DYSTROPHY-DYSTROGLYCANOPATHY (CONGENITAL WITH OR WITHOUT IMPAIRED INTELLECTUAL DEVELOPMENT), TYPE B, 5; MUSCULAR DYSTROPHY, CONGENITAL, 1C; MUSCULAR DYSTROPHY, CONGENITAL, FKRP-RELATED. Identifiers: MedGen C1847759, MONDO:0011688, OMIM 606612.
Autosomal recessive limb-girdle muscular dystrophy type 2I. Also called: MUSCULAR DYSTROPHY-DYSTROGLYCANOPATHY (LIMB-GIRDLE), TYPE C, 5; MUSCULAR DYSTROPHY-DYSTROGLYCANOPATHY, LIMB-GIRDLE, FRKP-RELATED; MUSCULAR DYSTROPHY, LIMB-GIRDLE, TYPE 2I. Identifiers: Orphanet 34515, MedGen C1846672, MONDO:0011787, OMIM 607155.
Muscular dystrophy-dystroglycanopathy (congenital with brain and eye anomalies), type A5. Also called: MUSCULAR DYSTROPHY-DYSTROGLYCANOPATHY (CONGENITAL WITH BRAIN AND EYE ANOMALIES), TYPE A, 5; WALKER-WARBURG SYNDROME OR MUSCLE-EYE-BRAIN DISEASE, FKRP-RELATED. Identifiers: Orphanet 588, Orphanet 899, MedGen C3150413, MONDO:0013157, OMIM 613153.
Muscular dystrophy-dystroglycanopathy (congenital with brain and eye anomalies), type A1 (MDDGA1). Also called: WALKER-WARBURG SYNDROME OR MUSCLE-EYE-BRAIN DISEASE, POMT1-RELATED; Hydrocephalus, agyria and retinal dysplasia; Hard +/- E syndrome; Warburg syndrome; Chemke syndrome; Pagon syndrome. Identifiers: Orphanet 588, Orphanet 899, MedGen C4284790, MONDO:0009364, OMIM 236670.
Walker-Warburg congenital muscular dystrophy. Also called: Muscular dystrophy-dystroglycanopathy, type A; Walker-Warburg syndrome. Identifiers: Orphanet 899, MedGen C0265221, MONDO:0000171.
Autosomal recessive limb-girdle muscular dystrophy. Identifiers: Orphanet 102015, MedGen C2931907, MONDO:0015152.

Allele frequency attached by ClinVar (database versions not stated): gnomAD 0.00003 and 0.00004; TOPMed 0.00005; gnomAD exomes 0.00010; ExAC 0.00025.

Submissions (13):

Ambry Genetics
Classification: Pathogenic for Cardiovascular phenotype. Last evaluated: 2026-06-16. Review status: criteria provided, single submitter. Criteria: Ambry Variant Classification Scheme 2023. Collection method: clinical testing. Allele origin: germline.
Comment: The p.R110W pathogenic mutation (also known as c.328C>T), located in coding exon 1 of the FKRP gene, results from a C to T substitution at nucleotide position 328. The arginine at codon 110 is replaced by tryptophan, an amino acid with dissimilar properties. This variant has been identified in conjunction with other FKRP variant(s) in individual(s) with features consistent with FKRP-related dystroglycanopathies (Kang PB et al. BMC Musculoskelet Disord, 2007 Nov;8:115; Song D et al. Clin Genet, 2021 Mar;99:384-395; Jensen SM et al. Neuromuscul Disord, 2023 Feb;33:119-132). This amino acid position is not well conserved in available vertebrate species. In addition, the in silico prediction for this alteration is inconclusive. Based on the supporting evidence, this variant is interpreted as a disease-causing mutation.

Molecular Diagnostic Laboratory for Inherited Cardiovascular Disease, Montreal Heart Institute
Classification: Likely pathogenic for Cardiovascular phenotype. Last evaluated: 2026-03-09. Review status: criteria provided, single submitter. Criteria: ACMG Guidelines, 2015. Collection method: clinical testing. Allele origin: germline. Affected: yes.
Comment: PS4_supp, PM2, PM3, PP2

Natera, Inc.
Classification: Likely pathogenic for Limb-girdle muscular dystrophy type 2I. Last evaluated: 2025-07-23. Review status: criteria provided, single submitter. Criteria: Natera Variant Classification Schema (03/2026). Collection method: clinical testing. Allele origin: germline.
Comment: The c.328C>T variant in FKRP is a missense variant predicted to cause substitution of arginine to tryptophan at amino acid 110. This variant is rare in the general population with a frequency below the threshold expected for the associated phenotype(s). This variant has been observed in one or more individuals affected with the associated recessive disease, as either homozygous or compound heterozygous with a second variant (PMID: 37927270, 18036232, 33200426). Computational prediction algorithms indicate this variant is likely to affect gene or protein function. Given the available evidence, this variant is classified as Likely Pathogenic.

Labcorp Genetics (formerly Invitae), Labcorp
Classification: Likely pathogenic for Walker-Warburg congenital muscular dystrophy. Last evaluated: 2025-02-10. Review status: criteria provided, single submitter. Criteria: Invitae Variant Classification Sherloc (09022015). Collection method: clinical testing. Allele origin: germline.
Comment: This sequence change replaces arginine, which is basic and polar, with tryptophan, which is neutral and slightly polar, at codon 110 of the FKRP protein (p.Arg110Trp). This variant is present in population databases (rs758759348, gnomAD 0.1%). This missense change has been observed in individuals with clinical features of limb-girdle muscular dystrophy (PMID: 18036232, 25135358, 33200426; internal data). ClinVar contains an entry for this variant (Variation ID: 408718). Invitae Evidence Modeling of protein sequence and biophysical properties (such as structural, functional, and spatial information, amino acid conservation, physicochemical variation, residue mobility, and thermodynamic stability) has been performed for this missense variant. However, the output from this modeling did not meet the statistical confidence thresholds required to predict the impact of this variant on FKRP protein function. This variant disrupts the p.Arg110 amino acid residue in FKRP. Other variant(s) that disrupt this residue have been observed in individuals with FKRP-related conditions (PMID: 16368217), which suggests that this may be a clinically significant amino acid residue. In summary, the currently available evidence indicates that the variant is pathogenic, but additional data are needed to prove that conclusively. Therefore, this variant has been classified as Likely Pathogenic.

Women's Health and Genetics/Laboratory Corporation of America, LabCorp
Classification: Likely pathogenic for Autosomal recessive limb-girdle muscular dystrophy. Last evaluated: 2024-12-13. Review status: criteria provided, single submitter. Criteria: LabCorp Variant Classification Summary - May 2015. Collection method: clinical testing. Allele origin: germline.
Comment: Variant summary: FKRP c.328C>T (p.Arg110Trp) results in a non-conservative amino acid change in the encoded protein sequence. Five of five in-silico tools predict a damaging effect of the variant on protein function. The variant allele was found at a frequency of 0.0001 in 134338 control chromosomes, predominantly at a frequency of 0.0011 within the East Asian subpopulation in the gnomAD database. This frequency is not significantly higher than estimated for a pathogenic variant in FKRP causing Limb-Girdle Muscular Dystrophy, Autosomal Recessive (0.0001 vs 0.0024), allowing no conclusion about variant significance. c.328C>T has been reported in the literature in individuals affected with Limb-Girdle Muscular Dystrophy, Autosomal Recessive (Kang_2007,Song_2021). These data indicate that the variant may be associated with disease. A different variant affecting the same codon has been classified as pathogenic by our lab (c.329G>C, p.Arg110Pro), supporting the critical relevance of codon 110 to FKRP protein function. To our knowledge, no experimental evidence demonstrating an impact on protein function has been reported. The following publications have been ascertained in the context of this evaluation (PMID: 18036232, 33200426, internal data). ClinVar contains an entry for this variant (Variation ID: 408718). Based on the evidence outlined above, the variant was classified as likely pathogenic.

Fulgent Genetics
Classification: Likely pathogenic for Muscular dystrophy-dystroglycanopathy type B5; Autosomal recessive limb-girdle muscular dystrophy type 2I; Muscular dystrophy-dystroglycanopathy (congenital with brain and eye anomalies), type A5. Last evaluated: 2024-06-24. Review status: criteria provided, single submitter. Criteria: ACMG Guidelines, 2015. Collection method: clinical testing. Allele origin: germline.

Baylor Genetics
Classification: Pathogenic for Muscular dystrophy-dystroglycanopathy (congenital with brain and eye anomalies), type A5. Last evaluated: 2024-03-19. Review status: criteria provided, single submitter. Criteria: ACMG Guidelines, 2015. Collection method: clinical testing. Allele origin: unknown.

Blueprint Genetics
Classification: Uncertain significance. Last evaluated: 2024-02-23. Review status: criteria provided, single submitter. Criteria: ACMG Guidelines, 2015. Collection method: clinical testing. Allele origin: germline.

Revvity Omics, Revvity
Classification: Uncertain significance. Last evaluated: 2023-01-11. Review status: criteria provided, single submitter. Criteria: ACMG Guidelines, 2015. Collection method: clinical testing. Allele origin: germline.

Athena Diagnostics
Classification: Uncertain significance. Last evaluated: 2022-08-02. Review status: criteria provided, single submitter. Criteria: Athena Diagnostics Criteria. Collection method: clinical testing. Allele origin: unknown.

GeneDx
Classification: Uncertain significance. Last evaluated: 2020-04-01. Review status: criteria provided, single submitter. Criteria: GeneDx Variant Classification Process June 2021. Collection method: clinical testing. Allele origin: germline. Affected: yes.
Comment: In silico analysis supports that this missense variant has a deleterious effect on protein structure/function; This variant is associated with the following publications: (PMID: 21296577, 18036232, 25135358)

Fulgent Genetics
Classification: Uncertain significance for Muscular dystrophy-dystroglycanopathy (congenital with brain and eye anomalies), type A1; Muscular dystrophy-dystroglycanopathy type B5; Autosomal recessive limb-girdle muscular dystrophy type 2I; Muscular dystrophy-dystroglycanopathy (congenital with brain and eye anomalies), type A5. Last evaluated: 2018-10-31. Review status: criteria provided, single submitter. Criteria: ACMG Guidelines, 2015. Collection method: clinical testing. Allele origin: unknown.

Juno Genomics, Hangzhou Juno Genomics, Inc
Classification: Likely pathogenic for Muscular dystrophy-dystroglycanopathy type B5; Muscular dystrophy-dystroglycanopathy (congenital with brain and eye anomalies), type A5; Autosomal recessive limb-girdle muscular dystrophy type 2I. Review status: criteria provided, single submitter. Criteria: ACMG Guidelines, 2015. Collection method: clinical testing. Allele origin: germline. Affected: yes.
Comment: For recessive disorders, detected in trans with a pathogenic variant.;Patient's phenotype or family history is highly specific for a disease with a single genetic etiology.

Literature cited by the submitters: PubMed 18036232 (cited by 5 submitters); PubMed 33200426 (cited by 5 submitters); PubMed 36522254 (cited by Ambry Genetics); PubMed 37927270 (cited by Natera, Inc.); PubMed 25135358 (cited by Labcorp Genetics (formerly Invitae), Labcorp); PubMed 16368217 (cited by Labcorp Genetics (formerly Invitae), Labcorp); PubMed 21296577 (cited by Athena Diagnostics).

NM_024301.5(FKRP):c.328C>T (p.Arg110Trp)

Gene: FKRP (fukutin related protein; plus strand). Cytogenetic location: 19q13.32.
Variant type: single nucleotide variant.
Coding change: c.328C>T on transcript NM_024301.5 (MANE Select); coding-DNA position 328, C replaced by T.
Protein change: p.Arg110Trp; replaces arginine 110 with tryptophan.
Molecular consequence: missense variant.
Genome position (GRCh38, 1-based): chr19:46,755,778, C>T. VCF-style: chr19-46755778-C-T. GRCh37 (hg19) VCF-style: chr19-47259035-C-T.
Other names: c.328C>T, p.Arg110Trp (NM_001039885.3); short protein forms R110W.
Identifiers: ClinVar variation 408718 (VCV000408718.26), dbSNP rs758759348, ClinGen allele CA9532143.